The following is an entry in ClinVar:

ClinVar aggregate classification (germline): Pathogenic. Review status: criteria provided, multiple submitters, no conflicts (2 of 4 stars). 2 submissions from 2 submitters: Pathogenic (2). Last evaluated 2024-06-17.

Conditions:
Joubert syndrome 17 (JBTS17). Identifiers: Orphanet 475, MedGen C3553264, MONDO:0013824, OMIM 614615.
Orofaciodigital syndrome type 6 (OFD6). Also called: OROFACIODIGITAL SYNDROME VI; OFDS VI; POLYDACTYLY, CLEFT LIP/PALATE OR LINGUAL LUMP, AND PSYCHOMOTOR RETARDATION; VARADI SYNDROME; VARADI-PAPP SYNDROME; Oral-facial-digital syndrome type 6. Identifiers: Orphanet 2754, MedGen C2745997, MONDO:0010176, OMIM 277170.

Submissions (2):

Fulgent Genetics
Classification: Pathogenic for Orofaciodigital syndrome type 6; Joubert syndrome 17. Last evaluated: 2024-06-17. Review status: criteria provided, single submitter. Criteria: ACMG Guidelines, 2015. Collection method: clinical testing. Allele origin: germline.

Labcorp Genetics (formerly Invitae), Labcorp
Classification: Pathogenic. Last evaluated: 2024-02-24. Review status: criteria provided, single submitter. Criteria: Invitae Variant Classification Sherloc (09022015). Collection method: clinical testing. Allele origin: germline.
Comment: This sequence change creates a premature translational stop signal (p.Tyr1004*) in the CPLANE1 gene. It is expected to result in an absent or disrupted protein product. Loss-of-function variants in CPLANE1 are known to be pathogenic (PMID: 24178751, 26092869). This variant is not present in population databases (gnomAD no frequency). This premature translational stop signal has been observed in individual(s) with clinical features of Joubert syndrome (PMID: 25407461). ClinVar contains an entry for this variant (Variation ID: 2203638). Algorithms developed to predict the effect of sequence changes on RNA splicing suggest that this variant may disrupt the consensus splice site. For these reasons, this variant has been classified as Pathogenic.

Literature cited by the submitters: PubMed 24178751 (cited by Labcorp Genetics (formerly Invitae), Labcorp); PubMed 26092869 (cited by Labcorp Genetics (formerly Invitae), Labcorp); PubMed 25407461 (cited by Labcorp Genetics (formerly Invitae), Labcorp).

NM_001384732.1(CPLANE1):c.3012T>A (p.Tyr1004Ter)

Gene: CPLANE1 (ciliogenesis and planar polarity effector complex subunit 1; minus strand). Cytogenetic location: 5p13.2.
Variant type: single nucleotide variant.
Coding change: c.3012T>A on transcript NM_001384732.1 (MANE Select); coding-DNA position 3012, T replaced by A.
Protein change: p.Tyr1004Ter; replaces tyrosine 1004 with a stop codon.
Molecular consequence: nonsense.
Genome position (GRCh38, 1-based): chr5:37,206,334, A>T on the plus strand (T>A on the coding strand, the complement: CPLANE1 is on the minus strand). VCF-style: chr5-37206334-A-T. GRCh37 (hg19) VCF-style: chr5-37206436-A-T.
Other names: c.3012T>A (NM_023073.3); c.3012T>A, p.Tyr1004Ter (NM_023073.4); short protein forms Y1004*.
Identifiers: ClinVar variation 2203638 (VCV002203638.5), dbSNP rs546670307, ClinGen allele CA359516959.